The following is an entry in ClinVar:

NM_020166.5(MCCC1):c.286T>C (p.Tyr96His)

Gene: MCCC1 (methylcrotonyl-CoA carboxylase subunit 1; minus strand). Cytogenetic location: 3q27.1.
Variant type: single nucleotide variant.
Coding change: c.286T>C on transcript NM_020166.5 (MANE Select); coding-DNA position 286, T replaced by C.
Protein change: p.Tyr96His; replaces tyrosine 96 with histidine.
Molecular consequence: missense variant. On other transcripts: synonymous variant (1), 5 prime UTR variant (1), non-coding transcript variant (1).
Genome position (GRCh38, 1-based): chr3:183,086,776, A>G on the plus strand (T>C on the coding strand, the complement: MCCC1 is on the minus strand). VCF-style: chr3-183086776-A-G. GRCh37 (hg19) VCF-style: chr3-182804564-A-G.
Other names: c.286T>C (NM_020166.3); c.57T>C, p.His19= (NM_001293273.2); c.-42T>C (NM_001363880.1); short protein forms Y96H.
Identifiers: ClinVar variation 3691534 (VCV003691534.3).
Genomic context (GRCh38, chr3:183,086,776, plus strand): 5'-CTTGAATGATTTTCTCCATAGATAGGTAGCTCTGCTGGGAGGGAGCGGGGCCGATGGAAT[A>G]TGCTTCATCTGCCTGTTTAAGAAACATCACATGCTTAAAAGACTTTGTGGCTAGTACATA-3'
Protein context (NP_064551.3, residues 86-106): SMHVDMADEA[Tyr96His]SIGPAPSQQS

ClinVar aggregate classification (germline): Uncertain significance. Review status: criteria provided, multiple submitters, no conflicts (2 of 4 stars). 2 submissions from 2 submitters: Uncertain significance (2). Last evaluated 2025-03-16.

Conditions:
3-methylcrotonyl-CoA carboxylase 1 deficiency (MCC1D). Also called: MCCD TYPE 1; METHYLCROTONYLGLYCINURIA TYPE I; MCC 1 deficiency; 3 Alpha methylcrotonylglycinuria 1. Identifiers: Orphanet 6, MedGen CN028786, MONDO:0008861, OMIM 210200.

gnomAD v4.1: 33 of 1,613,972 alleles (0.002%); highest among the groups gnomAD compares: Middle Eastern, 0.082%; no homozygotes.

Submissions (2):

GeneDx
Classification: Uncertain significance. Last evaluated: 2025-03-16. Review status: criteria provided, single submitter. Criteria: GeneDx Variant Classification Process June 2021. Collection method: clinical testing. Allele origin: germline. Affected: yes.
Comment: In silico analysis supports that this missense variant has a deleterious effect on protein structure/function; Not observed at significant frequency in large population cohorts (gnomAD); This variant is associated with the following publications: (PMID: 29111448)

Labcorp Genetics (formerly Invitae), Labcorp
Classification: Uncertain significance for 3-methylcrotonyl-CoA carboxylase 1 deficiency. Last evaluated: 2024-06-26. Review status: criteria provided, single submitter. Criteria: Invitae Variant Classification Sherloc (09022015). Collection method: clinical testing. Allele origin: germline.
Comment: This sequence change replaces tyrosine, which is neutral and polar, with histidine, which is basic and polar, at codon 96 of the MCCC1 protein (p.Tyr96His). This variant is present in population databases (rs761930069, gnomAD 0.003%). This missense change has been observed in individual(s) with MCCC1-related conditions (PMID: 29111448). An algorithm developed to predict the effect of missense changes on protein structure and function outputs the following: PolyPhen-2: "Benign". The histidine amino acid residue is found in multiple mammalian species, which suggests that this missense change does not adversely affect protein function. In summary, the available evidence is currently insufficient to determine the role of this variant in disease. Therefore, it has been classified as a Variant of Uncertain Significance.

Literature cited by the submitters: PubMed 29111448 (cited by Labcorp Genetics (formerly Invitae), Labcorp).